The following is an entry in ClinVar:

ClinVar aggregate classification (germline): Uncertain significance (1 of 4 stars; one submission).

Allele frequency attached by ClinVar (database versions not stated): gnomAD exomes 0.00001; TOPMed 0.00001.
gnomAD v4.1: 15 of 1,603,684 alleles (0.00094%); highest among the groups gnomAD compares: Middle Eastern, 0.017%; no homozygotes.

Submission:

Labcorp Genetics (formerly Invitae), Labcorp
Classification: Uncertain significance. Last evaluated: 2022-12-10. Review status: criteria provided, single submitter. Criteria: Invitae Variant Classification Sherloc (09022015). Collection method: clinical testing. Allele origin: germline.
Comment: In summary, the available evidence is currently insufficient to determine the role of this variant in disease. Therefore, it has been classified as a Variant of Uncertain Significance. Variants that disrupt the consensus splice site are a relatively common cause of aberrant splicing (PMID: 17576681, 9536098). Algorithms developed to predict the effect of sequence changes on RNA splicing suggest that this variant may create or strengthen a splice site. This sequence change falls in intron 4 of the PLA2G5 gene. It does not directly change the encoded amino acid sequence of the PLA2G5 protein. It affects a nucleotide within the consensus splice site. This variant is present in population databases (no rsID available, gnomAD 0.0009%). This variant has not been reported in the literature in individuals affected with PLA2G5-related conditions. ClinVar contains an entry for this variant (Variation ID: 1505376).

Literature cited by the submitters: PubMed 17576681; PubMed 9536098.

NM_000929.3(PLA2G5):c.292+6G>T

Gene: PLA2G5 (phospholipase A2 group V; plus strand). Cytogenetic location: 1p36.13.
Variant type: single nucleotide variant.
Coding change: c.292+6G>T on transcript NM_000929.3 (MANE Select); 6 bases into the intron after coding-DNA position 292, G replaced by T.
Molecular consequence: intron variant.
Genome position (GRCh38, 1-based): chr1:20,089,901, G>T. VCF-style: chr1-20089901-G-T. GRCh37 (hg19) VCF-style: chr1-20416394-G-T.
Identifiers: ClinVar variation 1505376 (VCV001505376.6), dbSNP rs1258443100, ClinGen allele CA521528267.